The following is an entry in ClinVar:

ClinVar aggregate classification (germline): Pathogenic. Review status: criteria provided, multiple submitters, no conflicts (2 of 4 stars). 3 submissions from 3 submitters: Pathogenic (3). Last evaluated 2025-08-20.

Conditions:
Glutaric acidemia type 2C.
Multiple acyl-CoA dehydrogenase deficiency (MADD). Also called: ETHYLMALONIC-ADIPICACIDURIA; GA II; Glutaric aciduria, type 2; Glutaric acidemia type II; GA 2; Glutaric Acidemia type 2. Identifiers: Orphanet 26791, MedGen C0268596, MONDO:0009282, OMIM 231680.

Allele frequency attached by ClinVar (database versions not stated): gnomAD 0.00001; 1000 Genomes Project 30x 0.00016; 1000 Genomes Project 0.00020.
gnomAD v4.1: 13 of 1,595,410 alleles (0.00081%); highest among the groups gnomAD compares: East Asian, 0.0045%; no homozygotes.

Submissions (3):

Natera, Inc.
Classification: Pathogenic for Glutaric acidemia type 2C. Last evaluated: 2025-08-20. Review status: criteria provided, single submitter. Criteria: Natera Variant Classification Schema (03/2026). Collection method: clinical testing. Allele origin: germline.
Comment: The c.1675C>T variant in ETFDH is a nonsense variant predicted to introduce a stop codon at amino acid 559. This variant is expected to result in nonsense mediated decay, truncation, or a dysfunctional protein product. This variant is rare in the general population with a frequency below the threshold expected for the associated phenotype(s). This variant has been observed in one or more individuals affected with the associated recessive disease, as either homozygous or compound heterozygous with a second variant (PMID: 33304817, 24522293). Given the available evidence, this variant is classified as Pathogenic.

Labcorp Genetics (formerly Invitae), Labcorp
Classification: Pathogenic for Multiple acyl-CoA dehydrogenase deficiency. Last evaluated: 2024-03-02. Review status: criteria provided, single submitter. Criteria: Invitae Variant Classification Sherloc (09022015). Collection method: clinical testing. Allele origin: germline.
Comment: This sequence change creates a premature translational stop signal (p.Arg559*) in the ETFDH gene. While this is not anticipated to result in nonsense mediated decay, it is expected to disrupt the last 59 amino acid(s) of the ETFDH protein. This variant is not present in population databases (gnomAD no frequency). This premature translational stop signal has been observed in individual(s) with glutaric aciduria type 2 (PMID: 18289905). ClinVar contains an entry for this variant (Variation ID: 2203591). This variant disrupts a region of the ETFDH protein in which other variant(s) (p.Gly611Glu) have been determined to be pathogenic (PMID: 12359134; Invitae). This suggests that this is a clinically significant region of the protein, and that variants that disrupt it are likely to be disease-causing. For these reasons, this variant has been classified as Pathogenic.

Baylor Genetics
Classification: Pathogenic for Multiple acyl-CoA dehydrogenase deficiency. Last evaluated: 2023-12-05. Review status: criteria provided, single submitter. Criteria: ACMG Guidelines, 2015. Collection method: clinical testing. Allele origin: unknown.

Literature cited by the submitters: PubMed 33304817 (cited by Natera, Inc.); PubMed 24522293 (cited by Natera, Inc.); PubMed 18289905 (cited by Labcorp Genetics (formerly Invitae), Labcorp); PubMed 12359134 (cited by Labcorp Genetics (formerly Invitae), Labcorp).

NM_004453.4(ETFDH):c.1675C>T (p.Arg559Ter)

Gene: ETFDH (electron transfer flavoprotein dehydrogenase; plus strand). Cytogenetic location: 4q32.1.
Variant type: single nucleotide variant.
Coding change: c.1675C>T on transcript NM_004453.4 (MANE Select); coding-DNA position 1675, C replaced by T.
Protein change: p.Arg559Ter; replaces arginine 559 with a stop codon.
Molecular consequence: nonsense.
Genome position (GRCh38, 1-based): chr4:158,706,835, C>T. VCF-style: chr4-158706835-C-T. GRCh37 (hg19) VCF-style: chr4-159627987-C-T.
Other names: c.1534C>T, p.Arg512Ter (NM_001281737.2); c.1492C>T, p.Arg498Ter (NM_001281738.1); c.1675C>T (NM_004453.3); short protein forms R559*, R512*, R498*.
Identifiers: ClinVar variation 2203591 (VCV002203591.7), dbSNP rs186023896, ClinGen allele CA108819444.